The following is an entry in ClinVar:

NM_004519.4(KCNQ3):c.844G>T (p.Val282Phe)

Gene: KCNQ3 (potassium voltage-gated channel subfamily Q member 3; minus strand). Cytogenetic location: 8q24.22.
Variant type: single nucleotide variant.
Coding change: c.844G>T on transcript NM_004519.4 (MANE Select); coding-DNA position 844, G replaced by T.
Protein change: p.Val282Phe; replaces valine 282 with phenylalanine.
Molecular consequence: missense variant.
Genome position (GRCh38, 1-based): chr8:132,175,542, C>A on the plus strand (G>T on the coding strand, the complement: KCNQ3 is on the minus strand). VCF-style: chr8-132175542-C-A. GRCh37 (hg19) VCF-style: chr8-133187789-C-A.
Other names: c.484G>T, p.Val162Phe (NM_001204824.2); short protein forms V162F, V282F.
Identifiers: ClinVar variation 3342658 (VCV003342658.1).

ClinVar aggregate classification (germline): Uncertain significance (1 of 4 stars; one submission).

Submission:

GeneDx
Classification: Uncertain significance. Last evaluated: 2023-06-23. Review status: criteria provided, single submitter. Criteria: GeneDx Variant Classification Process June 2021. Collection method: clinical testing. Allele origin: germline. Affected: yes.
Comment: Not observed at significant frequency in large population cohorts (gnomAD); In silico analysis supports that this missense variant has a deleterious effect on protein structure/function; Has not been previously published as pathogenic or benign to our knowledge